The following is an entry in ClinVar:

ClinVar aggregate classification (germline): Conflicting classifications of pathogenicity. Review status: criteria provided, conflicting classifications (1 of 4 stars). 2 submissions from 2 submitters: Uncertain significance (1); Likely benign (1). Last evaluated 2025-06-23.

Allele frequency attached by ClinVar (database versions not stated): gnomAD 0.00009; ExAC 0.00002; gnomAD exomes 0.00001; ESP Exome Variant Server 0.00023.
gnomAD v4.1: 24 of 1,613,008 alleles (0.0015%); highest among the groups gnomAD compares: African/African-American, 0.023%; no homozygotes.

Submissions (2):

GeneDx
Classification: Uncertain significance. Last evaluated: 2025-06-23. Review status: criteria provided, single submitter. Criteria: GeneDx Variant Classification Process June 2021. Collection method: clinical testing. Allele origin: germline.
Comment: In silico analysis suggests that this variant does not alter splicing; Has not been previously published as pathogenic or benign to our knowledge

Labcorp Genetics (formerly Invitae), Labcorp
Classification: Likely benign. Last evaluated: 2023-08-10. Review status: criteria provided, single submitter. Criteria: Invitae Variant Classification Sherloc (09022015). Collection method: clinical testing. Allele origin: germline.

NM_001379180.1(ESRRB):c.684G>A (p.Lys228=)

Gene: ESRRB (estrogen related receptor beta; plus strand). Cytogenetic location: 14q24.3.
Variant type: single nucleotide variant.
Coding change: c.684G>A on transcript NM_001379180.1 (MANE Select); coding-DNA position 684, G replaced by A.
Protein change: p.Lys228=; no amino-acid change (lysine 228 retained).
Molecular consequence: synonymous variant.
Genome position (GRCh38, 1-based): chr14:76,482,122, G>A. VCF-style: chr14-76482122-G-A. GRCh37 (hg19) VCF-style: chr14-76948465-G-A.
Other names: c.636G>A, p.Lys212= (NM_001411038.1); c.621G>A, p.Lys207= (NM_004452.4); c.621G>A (NM_004452.3).
Identifiers: ClinVar variation 2060297 (VCV002060297.6), dbSNP rs377536301, ClinGen allele CA7281647.
Genomic context (GRCh38, chr14:76,482,122, plus strand): 5'-ACGGCTGGACTCAGAGAGCAGCCCATACCTGAGCTTACAAATTTCTCCACCTGCTAAAAA[G>A]CCATGTGAGTGTCAGGGCAGTCCCTGCCCCTTTTGCCAGCATCTGTACCTGGAACATCAG-3'
Protein context (NP_001366109.1, residues 218-238): LSLQISPPAK[Lys228=]PLTKIVSYLL